The following is an entry in ClinVar:

ClinVar aggregate classification (germline): Conflicting classifications of pathogenicity. Review status: criteria provided, conflicting classifications (1 of 4 stars). 7 submissions from 7 submitters: Uncertain significance (2); Benign (1); Likely benign (3). 1 of the submissions does not count toward it. Last evaluated 2025-12-23.

Conditions:
Inborn genetic diseases. Identifiers: MedGen C0950123, MeSH D030342.
PIEZO2-related disorder. Also called: PIEZO2-related condition; PIEZO2-related disorders.

Allele frequency attached by ClinVar (database versions not stated): 1000 Genomes Project 30x 0.00047; 1000 Genomes Project 0.00060; TOPMed 0.00092; ESP Exome Variant Server 0.00175.
gnomAD v4.1: 2,303 of 1,534,090 alleles (0.15%); highest among the groups gnomAD compares: Non-Finnish European, 0.16%; 6 homozygotes.

Submissions (7):

Labcorp Genetics (formerly Invitae), Labcorp
Classification: Benign. Last evaluated: 2025-12-23. Review status: criteria provided, single submitter. Criteria: Invitae Variant Classification Sherloc (09022015). Collection method: clinical testing. Allele origin: germline.

CeGaT Center for Human Genetics Tuebingen
Classification: Likely benign. Last evaluated: 2025-08-01. Review status: criteria provided, single submitter. Criteria: CeGaT Center For Human Genetics Tuebingen Variant Classification Criteria Version 2. Collection method: clinical testing. Allele origin: germline. Affected: yes. Observed: 7 variant alleles.
Comment: PIEZO2: BS2

Ambry Genetics
Classification: Uncertain significance for Inborn genetic diseases. Last evaluated: 2025-05-04. Review status: criteria provided, single submitter. Criteria: Ambry Variant Classification Scheme 2023. Collection method: clinical testing. Allele origin: germline.

Blueprint Genetics
Classification: Likely benign. Last evaluated: 2024-11-18. Review status: criteria provided, single submitter. Criteria: ACMG Guidelines, 2015. Collection method: clinical testing. Allele origin: germline.

Revvity Omics, Revvity
Classification: Uncertain significance. Last evaluated: 2022-03-18. Review status: criteria provided, single submitter. Criteria: ACMG Guidelines, 2015. Collection method: clinical testing. Allele origin: germline.

GeneDx
Classification: Likely benign. Last evaluated: 2020-06-09. Review status: criteria provided, single submitter. Criteria: GeneDx Variant Classification Process June 2021. Collection method: clinical testing. Allele origin: germline. Affected: yes.
Comment: In silico analysis supports that this missense variant does not alter protein structure/function; Has not been previously published as pathogenic or benign to our knowledge

PreventionGenetics, part of Exact Sciences
Classification: Likely benign for PIEZO2-related condition. Last evaluated: 2022-03-29. Review status: no assertion criteria provided. Collection method: clinical testing. Allele origin: germline. Not counted in ClinVar's aggregate classification.
Comment: This variant is classified as likely benign based on ACMG/AMP sequence variant interpretation guidelines (Richards et al. 2015 PMID: 25741868, with internal and published modifications).

NM_001378183.1(PIEZO2):c.1261G>C (p.Gly421Arg)

Gene: PIEZO2 (piezo type mechanosensitive ion channel component 2; minus strand). Cytogenetic location: 18p11.22.
Variant type: single nucleotide variant.
Coding change: c.1261G>C on transcript NM_001378183.1 (MANE Select); coding-DNA position 1261, G replaced by C.
Protein change: p.Gly421Arg; replaces glycine 421 with arginine.
Molecular consequence: missense variant.
Genome position (GRCh38, 1-based): chr18:10,800,454, C>G on the plus strand (G>C on the coding strand, the complement: PIEZO2 is on the minus strand). VCF-style: chr18-10800454-C-G. GRCh37 (hg19) VCF-style: chr18-10800452-C-G.
Other names: c.1261G>C, p.Gly421Arg (NM_022068.4); short protein forms G421R.
Identifiers: ClinVar variation 493230 (VCV000493230.58), dbSNP rs202104395, ClinGen allele CA8892750.